The following is an entry in ClinVar:

NM_002204.4(ITGA3):c.2964C>T (p.Ala988=)

Gene: ITGA3 (integrin subunit alpha 3; plus strand). Cytogenetic location: 17q21.33.
Variant type: single nucleotide variant.
Coding change: c.2964C>T on transcript NM_002204.4 (MANE Select); coding-DNA position 2964, C replaced by T.
Protein change: p.Ala988=; no amino-acid change (alanine 988 retained).
Molecular consequence: synonymous variant.
Genome position (GRCh38, 1-based): chr17:50,087,788, C>T. VCF-style: chr17-50087788-C-T. GRCh37 (hg19) VCF-style: chr17-48165152-C-T.
Identifiers: ClinVar variation 754274 (VCV000754274.10), dbSNP rs140166180, ClinGen allele CA8642117.

ClinVar aggregate classification (germline): Likely benign. Review status: criteria provided, multiple submitters, no conflicts (2 of 4 stars). 3 submissions from 3 submitters: Likely benign (3). Last evaluated 2025-07-01.

Conditions:
ITGA3-related disorder. Also called: ITGA3-related condition.
Epidermolysis bullosa, junctional 7, with interstitial lung disease and nephrotic syndrome. Also called: Interstitial lung disease, nephrotic syndrome, and epidermolysis bullosa, congenital; Interstitial Lung Disease with Nephrotic Syndrome and Epidermolysis Bullosa. Identifiers: Orphanet 306504, MedGen C4518785, MONDO:0013881, OMIM 614748.

Allele frequency attached by ClinVar (database versions not stated): gnomAD exomes 0.00006 and 0.00013; gnomAD 0.00007; ESP Exome Variant Server 0.00008; TOPMed 0.00009; ExAC 0.00010.
gnomAD v4.1: 103 of 1,613,104 alleles (0.0064%); highest among the groups gnomAD compares: East Asian, 0.047%; no homozygotes.

Submissions (3):

PreventionGenetics, part of Exact Sciences
Classification: Likely benign for ITGA3-related condition. Last evaluated: 2025-07-01. Review status: criteria provided, single submitter. Criteria: ACMG Guidelines, 2015. Collection method: clinical testing. Allele origin: germline.
Comment: This variant is classified as likely benign based on ACMG/AMP sequence variant interpretation guidelines (Richards et al. 2015 PMID: 25741868, with internal and published modifications).

Labcorp Genetics (formerly Invitae), Labcorp
Classification: Likely benign. Last evaluated: 2025-06-12. Review status: criteria provided, single submitter. Criteria: Invitae Variant Classification Sherloc (09022015). Collection method: clinical testing. Allele origin: germline.

Fulgent Genetics
Classification: Likely benign for Epidermolysis bullosa, junctional 7, with interstitial lung disease and nephrotic syndrome. Last evaluated: 2021-10-21. Review status: criteria provided, single submitter. Criteria: ACMG Guidelines, 2015. Collection method: clinical testing. Allele origin: unknown.